The following is an entry in ClinVar:

ClinVar aggregate classification (germline): Likely pathogenic (1 of 4 stars; one submission).

Conditions:
Dilated cardiomyopathy 1G (CMD1G). Identifiers: Orphanet 154, MedGen C1858763, MONDO:0011400, OMIM 604145.
Autosomal recessive limb-girdle muscular dystrophy type 2J (LGMDR10). Also called: Limb-girdle muscular dystrophy, type 2J; MUSCULAR DYSTROPHY, LIMB-GIRDLE, AUTOSOMAL RECESSIVE 10. Identifiers: Orphanet 140922, MedGen C1837342, MONDO:0012127, OMIM 608807.

Submission:

Labcorp Genetics (formerly Invitae), Labcorp
Classification: Likely pathogenic for Dilated cardiomyopathy 1G; Autosomal recessive limb-girdle muscular dystrophy type 2J. Last evaluated: 2019-11-06. Review status: criteria provided, single submitter. Criteria: Invitae Variant Classification Sherloc (09022015). Collection method: clinical testing. Allele origin: germline.
Comment: This variant has not been reported in the literature in individuals with TTN-related conditions. This variant is not present in population databases (ExAC no frequency). This sequence change results in a premature translational stop signal in the TTN gene (p.Ala22265Glyfs*33). While this is not anticipated to result in nonsense mediated decay, it is expected to create a truncated TTN protein. This variant is located in the A band of TTN (PMID: 25589632). Truncating variants in this region are significantly overrepresented in patients affected with dilated cardiomyopathy (PMID: 25589632). Truncating variants in this region have also been reported in individuals affected with autosomal recessive centronuclear myopathy (PMID: 23975875). In summary, the currently available evidence indicates that the variant is pathogenic, but additional data are needed to prove that conclusively. Therefore, this variant has been classified as Likely Pathogenic.

Literature cited by the submitters: PubMed 25589632; PubMed 23975875.

NM_001267550.2(TTN):c.66793dup (p.Ala22265fs)

Genes: TTN-AS1 (TTN antisense RNA 1; plus strand), TTN (titin; minus strand). Cytogenetic location: 2q31.2.
Variant type: Duplication.
Coding change: c.66793dup on transcript NM_001267550.2 (MANE Select); coding-DNA position 66793, one base duplicated (G; older notation c.66793dupG).
Protein change: p.Ala22265fs; shifts the reading frame from alanine 22265.
Molecular consequence: frameshift variant.
Genome position (GRCh38, 1-based): chr2:178,580,586, C duplicated on the plus strand (G on the coding strand, the reverse complement: TTN is on the minus strand). VCF-style (leftmost placement, unchanged base first): chr2-178580585-G-GC. GRCh37 (hg19) VCF-style: chr2-179445312-G-GC.
Other names: c.61870dup, p.Ala20624fs (NM_001256850.1); c.39598dup, p.Ala13200fs (NM_003319.4); c.59089dup, p.Ala19697fs (NM_133378.4); c.39973dup, p.Ala13325fs (NM_133432.3); c.40174dup, p.Ala13392fs (NM_133437.4); short protein forms A20624fs, A13325fs, A19697fs, A13200fs, A13392fs, A22265fs.
Identifiers: ClinVar variation 961406 (VCV000961406.10), dbSNP rs2047469522, ClinGen allele CA1139657445.